The following is an entry in ClinVar:

ClinVar aggregate classification (germline): Uncertain significance (1 of 4 stars; one submission).

Conditions:
Inborn genetic diseases. Identifiers: MedGen C0950123, MeSH D030342.

gnomAD v4.1: 2 of 1,551,362 alleles (0.00013%); highest among the groups gnomAD compares: East Asian, 0.0049%; no homozygotes.

Submission:

Ambry Genetics
Classification: Uncertain significance for Inborn genetic diseases. Last evaluated: 2026-07-11. Review status: criteria provided, single submitter. Criteria: Ambry Variant Classification Scheme 2023. Collection method: clinical testing. Allele origin: germline.
Comment: The p.L1330V variant (also known as c.3988C>G), located in coding exon 40 of the FANCA gene, results from a C to G substitution at nucleotide position 3988. The leucine at codon 1330 is replaced by valine, an amino acid with highly similar properties. This amino acid position is conserved. In addition, the in silico prediction for this alteration is inconclusive. Based on the available evidence, the clinical significance of this variant remains unclear.

NM_000135.4(FANCA):c.3988C>G (p.Leu1330Val)

Genes: FANCA (FA complementation group A; minus strand), ZNF276 (zinc finger protein 276; plus strand). Cytogenetic location: 16q24.3.
Variant type: single nucleotide variant.
Coding change: c.3988C>G on transcript NM_000135.4 (MANE Select); coding-DNA position 3988, C replaced by G.
Protein change: p.Leu1330Val; replaces leucine 1330 with valine.
Molecular consequence: missense variant. On other transcripts: 3 prime UTR variant (2), non-coding transcript variant (4).
Genome position (GRCh38, 1-based): chr16:89,739,500, G>C on the plus strand (C>G on the coding strand, the complement: FANCA is on the minus strand). VCF-style: chr16-89739500-G-C. GRCh37 (hg19) VCF-style: chr16-89805908-G-C.
Other names: c.3988C>G, p.Leu1330Val (NM_001286167.3); c.*1254G>C (NM_001113525.2, NM_152287.4); short protein forms L1330V.
Identifiers: ClinVar variation 5036349 (VCV005036349.1).